The following is an entry in ClinVar:

ClinVar aggregate classification (germline): Conflicting classifications of pathogenicity. Review status: criteria provided, conflicting classifications (1 of 4 stars). 4 submissions from 4 submitters: Uncertain significance (2); Likely benign (2). Last evaluated 2023-06-24.

Conditions:
Arrhythmogenic right ventricular dysplasia 9 (ARVD9). Also called: Arrhythmogenic Right Ventricular Dysplasia/Cardiomyopathy 9; ARRHYTHMOGENIC RIGHT VENTRICULAR DYSPLASIA, FAMILIAL, 9. Identifiers: MedGen C1836906, MONDO:0012180, OMIM 609040.
Cardiovascular phenotype. Identifiers: MedGen CN230736.
Cardiomyopathy (CMYO). Also called: Cardiomyopathies. Identifiers: Orphanet 167848, MedGen C0878544, MONDO:0004994, HP:0001638. Inheritance: Various modes of inheritance.

gnomAD v4.1: 1 of 1,613,856 alleles (0.000062%); no homozygotes.

Submissions (4):

Labcorp Genetics (formerly Invitae), Labcorp
Classification: Uncertain significance for Arrhythmogenic right ventricular dysplasia 9. Last evaluated: 2023-06-24. Review status: criteria provided, single submitter. Criteria: Invitae Variant Classification Sherloc (09022015). Collection method: clinical testing. Allele origin: germline.
Comment: In summary, the available evidence is currently insufficient to determine the role of this variant in disease. Therefore, it has been classified as a Variant of Uncertain Significance. Algorithms developed to predict the effect of sequence changes on RNA splicing suggest that this variant is not likely to affect RNA splicing. ClinVar contains an entry for this variant (Variation ID: 922293). This variant has not been reported in the literature in individuals affected with PKP2-related conditions. This variant is not present in population databases (gnomAD no frequency). This sequence change affects codon 715 of the PKP2 mRNA. It is a 'silent' change, meaning that it does not change the encoded amino acid sequence of the PKP2 protein. It affects a nucleotide within the consensus splice site.

Ambry Genetics
Classification: Likely benign for Cardiovascular phenotype. Last evaluated: 2020-08-25. Review status: criteria provided, single submitter. Criteria: Ambry Variant Classification Scheme 2023. Collection method: clinical testing. Allele origin: germline.

Women's Health and Genetics/Laboratory Corporation of America, LabCorp
Classification: Uncertain significance. Last evaluated: 2019-10-08. Review status: criteria provided, single submitter. Criteria: LabCorp Variant Classification Summary - May 2015. Collection method: clinical testing. Allele origin: germline.
Comment: Variant summary: PKP2 c.2145A>G (p.Pro715Pro) alters a non-conserved nucleotide located close to a canonical splice site and therefore could affect mRNA splicing, leading to a significantly altered protein sequence. 4/4 computational tools predict no significant impact on normal splicing. However, these predictions have yet to be confirmed by functional studies. The variant was absent in 251390 control chromosomes. The available data on variant occurrences in the general population are insufficient to allow any conclusion about variant significance. To our knowledge, no occurrence of c.2145A>G in individuals affected with Arrhythmia/ARVD/SCD/Cardiomyopathy and no experimental evidence demonstrating its impact on protein function have been reported. No clinical diagnostic laboratories have submitted clinical-significance assessments for this variant to ClinVar after 2014. Based on the evidence outlined above, the variant was classified as VUS-possibly benign.

Color Diagnostics, LLC DBA Color Health
Classification: Likely benign for Cardiomyopathy. Last evaluated: 2018-11-25. Review status: criteria provided, single submitter. Criteria: ACMG Guidelines, 2015. Collection method: clinical testing. Allele origin: germline.

NM_001005242.3(PKP2):c.2013A>G (p.Pro671=)

Gene: PKP2 (plakophilin 2; minus strand). Cytogenetic location: 12p11.21.
Variant type: single nucleotide variant.
Coding change: c.2013A>G on transcript NM_001005242.3 (MANE Select); coding-DNA position 2013, A replaced by G.
Protein change: p.Pro671=; no amino-acid change (proline 671 retained).
Molecular consequence: synonymous variant.
Genome position (GRCh38, 1-based): chr12:32,821,356, T>C on the plus strand (A>G on the coding strand, the complement: PKP2 is on the minus strand). VCF-style: chr12-32821356-T-C. GRCh37 (hg19) VCF-style: chr12-32974290-T-C.
Other names: c.2145A>G, p.Pro715= (NM_004572.4).
Identifiers: ClinVar variation 922293 (VCV000922293.6), dbSNP rs1956373944, ClinGen allele CA479176048.